The following is an entry in ClinVar:

NM_001042492.3(NF1):c.2116G>C (p.Ala706Pro)

Gene: NF1 (neurofibromin 1; plus strand). Cytogenetic location: 17q11.2.
Variant type: single nucleotide variant.
Coding change: c.2116G>C on transcript NM_001042492.3 (MANE Select); coding-DNA position 2116, G replaced by C.
Protein change: p.Ala706Pro; replaces alanine 706 with proline.
Molecular consequence: missense variant.
Genome position (GRCh38, 1-based): chr17:31,226,549, G>C. VCF-style: chr17-31226549-G-C. GRCh37 (hg19) VCF-style: chr17-29553567-G-C.
Other names: c.2116G>C, p.Ala706Pro (NM_000267.4); short protein forms A706P.
Identifiers: ClinVar variation 1807297 (VCV001807297.2), dbSNP rs876658232, ClinGen allele CA398982288.

ClinVar aggregate classification (germline): Uncertain significance. Review status: criteria provided, multiple submitters, no conflicts (2 of 4 stars). 2 submissions from 2 submitters: Uncertain significance (2). Last evaluated 2023-07-10.

Conditions:
Cardiovascular phenotype. Identifiers: MedGen CN230736.
Hereditary cancer-predisposing syndrome. Also called: Neoplastic Syndromes, Hereditary; Hereditary neoplastic syndrome; Hereditary Cancer Syndrome; Tumor predisposition. Identifiers: Orphanet 140162, MedGen C0027672, MeSH D009386, MONDO:0015356.

Submissions (2):

Ambry Genetics
Classification: Uncertain significance for Cardiovascular phenotype; Hereditary cancer-predisposing syndrome. Last evaluated: 2023-07-10. Review status: criteria provided, single submitter. Criteria: Ambry Variant Classification Scheme 2023. Collection method: clinical testing. Allele origin: germline.
Comment: The p.A706P variant (also known as c.2116G>C), located in coding exon 18 of the NF1 gene, results from a G to C substitution at nucleotide position 2116. The alanine at codon 706 is replaced by proline, an amino acid with highly similar properties. This amino acid position is highly conserved in available vertebrate species. In addition, this alteration is predicted to be deleterious by in silico analysis. Since supporting evidence is limited at this time, the clinical significance of this alteration remains unclear.

Athena Diagnostics
Classification: Uncertain significance. Last evaluated: 2022-08-18. Review status: criteria provided, single submitter. Criteria: Athena Diagnostics Criteria. Collection method: clinical testing. Allele origin: unknown.